The following is an entry in ClinVar:

NM_003482.4(KMT2D):c.2366C>G (p.Ser789Cys)

Gene: KMT2D (lysine methyltransferase 2D; minus strand). Cytogenetic location: 12q13.12.
Variant type: single nucleotide variant.
Coding change: c.2366C>G on transcript NM_003482.4 (MANE Select); coding-DNA position 2366, C replaced by G.
Protein change: p.Ser789Cys; replaces serine 789 with cysteine.
Molecular consequence: missense variant.
Genome position (GRCh38, 1-based): chr12:49,051,317, G>C on the plus strand (C>G on the coding strand, the complement: KMT2D is on the minus strand). VCF-style: chr12-49051317-G-C. GRCh37 (hg19) VCF-style: chr12-49445100-G-C.
Other names: short protein forms S789C.
Identifiers: ClinVar variation 1718228 (VCV001718228.5), dbSNP rs2120667888, ClinGen allele CA384666157.

ClinVar aggregate classification (germline): Uncertain significance (1 of 4 stars; one submission).

Conditions:
Kabuki syndrome. Also called: Kabuki make-up syndrome; NIIKAWA-KUROKI SYNDROME. Identifiers: Orphanet 2322, MedGen C0796004, MONDO:0016512.

Submission:

Labcorp Genetics (formerly Invitae), Labcorp
Classification: Uncertain significance for Kabuki syndrome. Last evaluated: 2022-08-28. Review status: criteria provided, single submitter. Criteria: Invitae Variant Classification Sherloc (09022015). Collection method: clinical testing. Allele origin: germline.
Comment: In summary, the available evidence is currently insufficient to determine the role of this variant in disease. Therefore, it has been classified as a Variant of Uncertain Significance. Advanced modeling of protein sequence and biophysical properties (such as structural, functional, and spatial information, amino acid conservation, physicochemical variation, residue mobility, and thermodynamic stability) performed at Invitae indicates that this missense variant is not expected to disrupt KMT2D protein function. This variant has not been reported in the literature in individuals affected with KMT2D-related conditions. This variant is not present in population databases (gnomAD no frequency). This sequence change replaces serine, which is neutral and polar, with cysteine, which is neutral and slightly polar, at codon 789 of the KMT2D protein (p.Ser789Cys).